The following is an entry in ClinVar:

ClinVar aggregate classification (germline): Likely pathogenic (1 of 4 stars; one submission).

Conditions:
Charcot-Marie-Tooth disease axonal type 2V. Also called: CHARCOT-MARIE-TOOTH NEUROPATHY, TYPE 2V; CHARCOT-MARIE-TOOTH DISEASE, AXONAL, AUTOSOMAL DOMINANT, TYPE 2V. Identifiers: Orphanet 447964, MedGen C5569050, MONDO:0014665, OMIM 616491.
Mucopolysaccharidosis, MPS-III-B (MPS3B). Also called: N-ACETYL-ALPHA-D-GLUCOSAMINIDASE DEFICIENCY; NAGLU DEFICIENCY; SANFILIPPO SYNDROME B; MPS III B; Mucopolysaccharidosis type IIIB (Sanfilippo B); MUCOPOLYSACCHARIDOSIS, TYPE IIIB. Identifiers: Orphanet 79270, MedGen C0086648, MONDO:0009656, OMIM 252920.

Submission:

Labcorp Genetics (formerly Invitae), Labcorp
Classification: Likely pathogenic for Charcot-Marie-Tooth disease axonal type 2V; Mucopolysaccharidosis, MPS-III-B. Last evaluated: 2023-11-05. Review status: criteria provided, single submitter. Criteria: Invitae Variant Classification Sherloc (09022015). Collection method: clinical testing. Allele origin: germline.
Comment: This sequence change replaces glycine, which is neutral and non-polar, with aspartic acid, which is acidic and polar, at codon 161 of the NAGLU protein (p.Gly161Asp). This variant is not present in population databases (gnomAD no frequency). This missense change has been observed in individual(s) with NAGLU-related conditions (PMID: 22976768). Advanced modeling of protein sequence and biophysical properties (such as structural, functional, and spatial information, amino acid conservation, physicochemical variation, residue mobility, and thermodynamic stability) performed at Invitae indicates that this missense variant is expected to disrupt NAGLU protein function with a positive predictive value of 95%. In summary, the currently available evidence indicates that the variant is pathogenic, but additional data are needed to prove that conclusively. Therefore, this variant has been classified as Likely Pathogenic.

Literature cited by the submitters: PubMed 22976768.

NM_000263.4(NAGLU):c.482G>A (p.Gly161Asp)

Gene: NAGLU (N-acetyl-alpha-glucosaminidase; plus strand). Cytogenetic location: 17q21.2.
Variant type: single nucleotide variant.
Coding change: c.482G>A on transcript NM_000263.4 (MANE Select); coding-DNA position 482, G replaced by A.
Protein change: p.Gly161Asp; replaces glycine 161 with aspartic acid.
Molecular consequence: missense variant.
Genome position (GRCh38, 1-based): chr17:42,537,496, G>A. VCF-style: chr17-42537496-G-A. GRCh37 (hg19) VCF-style: chr17-40689514-G-A.
Other names: short protein forms G161D.
Identifiers: ClinVar variation 2925620 (VCV002925620.3), dbSNP rs2510652210, ClinGen allele CA399598206.
Genomic context (GRCh38, chr17:42,537,496, plus strand): 5'-CTTTCGTGTGGTGGGACTGGGCCCGCTGGGAGCGAGAGATAGACTGGATGGCGCTGAATG[G>A]CATCAACCTGGCACTGGCCTGGAGCGGCCAGGAGGCCATCTGGCAGCGGGTGCGTGCCCA-3'
Protein context (NP_000254.2, residues 151-171): EREIDWMALN[Gly161Asp]INLALAWSGQ